The following is an entry in ClinVar:

ClinVar aggregate classification (germline): Uncertain significance. Review status: criteria provided, multiple submitters, no conflicts (2 of 4 stars). 2 submissions from 2 submitters: Uncertain significance (2). Last evaluated 2025-04-23.

Conditions:
PPARG-related disorder. Also called: PPARG-related condition; PPARG-related disorders.

Allele frequency attached by ClinVar (database versions not stated): gnomAD 0.00001; TOPMed 0.00001; gnomAD exomes 0.00002.
gnomAD v4.1: 25 of 1,613,978 alleles (0.0015%); highest among the groups gnomAD compares: Non-Finnish European, 0.0019%; no homozygotes.

Submissions (2):

PreventionGenetics, part of Exact Sciences
Classification: Uncertain significance for PPARG-related condition. Last evaluated: 2025-04-23. Review status: criteria provided, single submitter. Criteria: ACMG Guidelines, 2015. Collection method: clinical testing. Allele origin: germline.
Comment: The PPARG c.709G>A variant is predicted to result in the amino acid substitution p.Ala237Thr. This variant, reported as c.625G>A (p.Ala209Thr) via NM_138711, has been reported in study analyzing polygenic risk scores (PRS) for hypertriglyceridemia (HTG) (Table S2, Deshotels et al. 2022. PubMed ID: 36325899). This variant is reported in 0.011% of alleles in individuals of African descent in gnomAD. At this time, the clinical significance of this variant is uncertain due to the absence of conclusive functional and genetic evidence.

Labcorp Genetics (formerly Invitae), Labcorp
Classification: Uncertain significance. Last evaluated: 2023-03-08. Review status: criteria provided, single submitter. Criteria: Invitae Variant Classification Sherloc (09022015). Collection method: clinical testing. Allele origin: germline.
Comment: Advanced modeling of protein sequence and biophysical properties (such as structural, functional, and spatial information, amino acid conservation, physicochemical variation, residue mobility, and thermodynamic stability) performed at Invitae indicates that this missense variant is not expected to disrupt PPARG protein function. This variant has not been reported in the literature in individuals affected with PPARG-related conditions. This variant is present in population databases (rs569100208, gnomAD 0.01%). This sequence change replaces alanine, which is neutral and non-polar, with threonine, which is neutral and polar, at codon 237 of the PPARG protein (p.Ala237Thr). In summary, the available evidence is currently insufficient to determine the role of this variant in disease. Therefore, it has been classified as a Variant of Uncertain Significance.

NM_138711.6(PPARG):c.619G>A (p.Ala207Thr)

Genes: PPARG (peroxisome proliferator activated receptor gamma; plus strand), LOC114803475 (PPARG eExon liver enhancer; plus strand). Cytogenetic location: 3p25.2.
Variant type: single nucleotide variant.
Coding change: c.619G>A on transcript NM_138711.6 (MANE Select); coding-DNA position 619, G replaced by A.
Protein change: p.Ala207Thr; replaces alanine 207 with threonine.
Molecular consequence: missense variant. On other transcripts: intron variant (1).
Genome position (GRCh38, 1-based): chr3:12,405,971, G>A. VCF-style: chr3-12405971-G-A. GRCh37 (hg19) VCF-style: chr3-12447470-G-A.
Other names: c.619G>A, p.Ala207Thr (NM_001330615.4, NM_001354666.3, NM_001354667.3 and 6 more transcripts); c.709G>A, p.Ala237Thr (NM_001354668.2, NM_001374265.1, NM_015869.5); c.625G>A, p.Ala209Thr (NM_001354670.2, NM_001374266.1); c.103-10733G>A (NM_001354669.2); c.709G>A (NM_015869.4); short protein forms A237T, A207T, A209T.
Identifiers: ClinVar variation 2893058 (VCV002893058.5), dbSNP rs569100208, ClinGen allele CA70183039.